The following is an entry in ClinVar:

ClinVar aggregate classification (germline): Conflicting classifications of pathogenicity. Review status: criteria provided, conflicting classifications (1 of 4 stars). 13 submissions from 13 submitters: Uncertain significance (1); Benign (9); Likely benign (1). 2 of the submissions do not count toward it. Last evaluated 2026-01-31.

Conditions:
TSC2-related disorder. Also called: TSC2-Related Disorders; TSC2-related condition.
Hereditary cancer-predisposing syndrome. Also called: Tumor predisposition; Neoplastic Syndromes, Hereditary; Hereditary neoplastic syndrome; Hereditary Cancer Syndrome. Identifiers: Orphanet 140162, MedGen C0027672, MeSH D009386, MONDO:0015356.
Tuberous sclerosis syndrome (TSC). Also called: Tuberous Sclerosis Complex; Tuberous sclerosis. Identifiers: Orphanet 805, MedGen C0041341, MONDO:0001734.
Tuberous sclerosis 2 (TSC2). Identifiers: Orphanet 805, MedGen C1860707, MONDO:0013199, OMIM 613254.

Allele frequency attached by ClinVar (database versions not stated): gnomAD exomes 0.00004 and 0.00010; ExAC 0.00007; gnomAD 0.00029 and 0.00034; TOPMed 0.00037; ESP Exome Variant Server 0.00038.
gnomAD v4.1: 108 of 1,612,328 alleles (0.0067%); highest among the groups gnomAD compares: African/African-American, 0.11%; no homozygotes.

Submissions (13):

Labcorp Genetics (formerly Invitae), Labcorp
Classification: Benign for Tuberous sclerosis 2. Last evaluated: 2026-01-31. Review status: criteria provided, single submitter. Criteria: Invitae Variant Classification Sherloc (09022015). Collection method: clinical testing. Allele origin: germline.

Myriad Genetics, Inc.
Classification: Benign for Tuberous sclerosis 2. Last evaluated: 2025-05-09. Review status: criteria provided, single submitter. Criteria: Myriad Autosomal Dominant, Autosomal Recessive and X-Linked Classification Criteria (2023). Collection method: clinical testing. Allele origin: unknown.
Comment: This variant is considered benign. This variant is a silent/synonymous amino acid change and it is not expected to impact splicing.

Blueprint Genetics
Classification: Likely benign. Last evaluated: 2024-11-13. Review status: criteria provided, single submitter. Criteria: ACMG Guidelines, 2015. Collection method: clinical testing. Allele origin: germline.

All of Us Research Program, National Institutes of Health
Classification: Benign for Tuberous sclerosis syndrome. Last evaluated: 2024-01-11. Review status: criteria provided, single submitter. Criteria: ACMG Guidelines, 2015. Collection method: clinical testing. Allele origin: germline. Inheritance: Autosomal dominant inheritance. Observed: 16 variant alleles, 16 heterozygotes.
Comment: This study involves interpretation of variants in research participants for the purpose of population health screening. Participant phenotype was not available at the time of variant classification. Additional details can be found in publication PMID: 35346344, PMCID: PMC8962531

Color Diagnostics, LLC DBA Color Health
Classification: Benign for Tuberous sclerosis syndrome. Last evaluated: 2022-09-13. Review status: criteria provided, single submitter. Criteria: ACMG Guidelines, 2015. Collection method: clinical testing. Allele origin: germline.

Genome-Nilou Lab
Classification: Benign for Tuberous sclerosis 2. Last evaluated: 2021-11-07. Review status: criteria provided, single submitter. Criteria: ACMG Guidelines, 2015. Collection method: clinical testing. Allele origin: germline. Affected: no.

Sema4
Classification: Benign for Hereditary cancer-predisposing syndrome. Last evaluated: 2021-02-09. Review status: criteria provided, single submitter. Criteria: Sema4 Curation Guidelines. Collection method: curation. Allele origin: germline.

Quest Diagnostics Nichols Institute San Juan Capistrano
Classification: Benign. Last evaluated: 2017-12-07. Review status: criteria provided, single submitter. Criteria: Quest Diagnostics criteria. Collection method: clinical testing. Allele origin: unknown.

Eurofins Ntd Llc (ga)
Classification: Uncertain significance. Last evaluated: 2017-03-31. Review status: criteria provided, single submitter. Criteria: EGL Classification Definitions 2015. Collection method: clinical testing. Allele origin: germline. Observed: 1 variant allele, 1 heterozygote.

Ambry Genetics
Classification: Benign for Hereditary cancer-predisposing syndrome. Last evaluated: 2016-01-21. Review status: criteria provided, single submitter. Criteria: Ambry Variant Classification Scheme 2023. Collection method: clinical testing. Allele origin: germline.

GeneDx
Classification: Benign. Last evaluated: 2015-08-07. Review status: criteria provided, single submitter. Criteria: GeneDx Variant Classification (06012015). Collection method: clinical testing. Allele origin: germline. Affected: yes.
Comment: This variant is considered likely benign or benign based on one or more of the following criteria: it is a conservative change, it occurs at a poorly conserved position in the protein, it is predicted to be benign by multiple in silico algorithms, and/or has population frequency not consistent with disease.

PreventionGenetics, part of Exact Sciences
Classification: Likely benign for TSC2-related condition. Last evaluated: 2019-11-19. Review status: no assertion criteria provided. Collection method: clinical testing. Allele origin: germline. Not counted in ClinVar's aggregate classification.
Comment: This variant is classified as likely benign based on ACMG/AMP sequence variant interpretation guidelines (Richards et al. 2015 PMID: 25741868, with internal and published modifications).

Tuberous sclerosis database (TSC2)
No classification provided. Condition: TSC. Review status: no classification provided. Criteria: Tuberous Sclerosis Database Assertion Criteria 2015. Collection method: curation. Allele origin: germline. Affected: yes. Not counted in ClinVar's aggregate classification.

Literature cited by the submitters: PubMed 17304050 (cited by Quest Diagnostics Nichols Institute San Juan Capistrano).

NM_000548.5(TSC2):c.681C>T (p.Cys227=)

Gene: TSC2 (TSC complex subunit 2; plus strand). Cytogenetic location: 16p13.3.
Variant type: single nucleotide variant.
Coding change: c.681C>T on transcript NM_000548.5 (MANE Select); coding-DNA position 681, C replaced by T.
Protein change: p.Cys227=; no amino-acid change (cysteine 227 retained).
Molecular consequence: synonymous variant.
Genome position (GRCh38, 1-based): chr16:2,056,676, C>T. VCF-style: chr16-2056676-C-T. GRCh37 (hg19) VCF-style: chr16-2106677-C-T.
Other names: c.681C>T, p.Cys227= (NM_001077183.3, NM_001114382.3, NM_001363528.2 and 3 more transcripts); c.570C>T, p.Cys190= (NM_001318827.2); c.534C>T, p.Cys178= (NM_001318829.2); c.81C>T, p.Cys27= (NM_001318831.2); c.714C>T, p.Cys238= (NM_001318832.2); c.681C>T (NM_000548.4).
Identifiers: ClinVar variation 49892 (VCV000049892.27), dbSNP rs45443205, ClinGen allele CA022794.